The following is an entry in ClinVar:

ClinVar aggregate classification (germline): Uncertain significance. Review status: criteria provided, multiple submitters, no conflicts (2 of 4 stars). 2 submissions from 2 submitters: Uncertain significance (2). Last evaluated 2025-10-07.

Conditions:
Inborn genetic diseases. Identifiers: MedGen C0950123, MeSH D030342.

Allele frequency attached by ClinVar (database versions not stated): gnomAD exomes below 0.00001.
gnomAD v4.1: 1 of 1,611,102 alleles (0.000062%); highest among the groups gnomAD compares: Non-Finnish European, 0.000085%; no homozygotes.

Submissions (2):

Ambry Genetics
Classification: Uncertain significance for Inborn genetic diseases. Last evaluated: 2025-10-07. Review status: criteria provided, single submitter. Criteria: Ambry Variant Classification Scheme 2023. Collection method: clinical testing. Allele origin: germline.

Women's Health and Genetics/Laboratory Corporation of America, LabCorp
Classification: Uncertain significance. Last evaluated: 2024-02-08. Review status: criteria provided, single submitter. Criteria: LabCorp Variant Classification Summary - May 2015. Collection method: clinical testing. Allele origin: germline.
Comment: Variant summary: NFIA c.706A>G (p.Ile236Val) results in a conservative amino acid change in the encoded protein sequence. Three of five in-silico tools predict a benign effect of the variant on protein function. The variant was absent in 250618 control chromosomes. The available data on variant occurrences in the general population are insufficient to allow any conclusion about variant significance. To our knowledge, no occurrence of c.706A>G in individuals affected with Brain Malformations With Or Without Urinary Tract Defects and no experimental evidence demonstrating its impact on protein function have been reported. No submitters have cited clinical-significance assessments for this variant to ClinVar. Based on the evidence outlined above, the variant was classified as uncertain significance.

NM_001134673.4(NFIA):c.706A>G (p.Ile236Val)

Gene: NFIA (nuclear factor I A; plus strand). Cytogenetic location: 1p31.3.
Variant type: single nucleotide variant.
Coding change: c.706A>G on transcript NM_001134673.4 (MANE Select); coding-DNA position 706, A replaced by G.
Protein change: p.Ile236Val; replaces isoleucine 236 with valine.
Molecular consequence: missense variant.
Genome position (GRCh38, 1-based): chr1:61,352,455, A>G. VCF-style: chr1-61352455-A-G. GRCh37 (hg19) VCF-style: chr1-61818127-A-G.
Other names: c.841A>G (NM_001145512.1); c.682A>G, p.Ile228Val (NM_001145511.2); c.841A>G, p.Ile281Val (NM_001145512.2); c.706A>G, p.Ile236Val (NM_005595.5); short protein forms I228V, I236V, I281V.
Identifiers: ClinVar variation 3069047 (VCV003069047.3), dbSNP rs2525109031, ClinGen allele CA340587740.